The following is an entry in ClinVar:

NM_000037.4(ANK1):c.527_530dup (p.His178fs)

Genes: ANK1 (ankyrin 1; minus strand), LOC124153154 (Sharpr-MPRA regulatory region 1462; plus strand). Cytogenetic location: 8p11.21.
Variant type: Duplication.
Coding change: c.527_530dup on transcript NM_000037.4 (MANE Select); coding-DNA positions 527 to 530, 4 bases duplicated (CCCT; older notation c.527_530dupCCCT).
Protein change: p.His178fs; shifts the reading frame from histidine 178.
Molecular consequence: frameshift variant.
Genome position (GRCh38, 1-based): chr8:41,725,843-41,725,846, AGGG duplicated on the plus strand (CCCT on the coding strand, the reverse complement: ANK1 is on the minus strand). VCF-style (leftmost placement, unchanged base first): chr8-41725842-C-CAGGG. GRCh37 (hg19) VCF-style: chr8-41583360-C-CAGGG.
Other names: c.626_629dup, p.His211fs (NM_001142446.2); c.527_530dup, p.His178fs (NM_020475.3, NM_020476.3, NM_020477.3); short protein forms H178fs, H211fs.
Identifiers: ClinVar variation 3653146 (VCV003653146.2).

ClinVar aggregate classification (germline): Pathogenic (1 of 4 stars; one submission).

Submission:

Labcorp Genetics (formerly Invitae), Labcorp
Classification: Pathogenic. Last evaluated: 2024-05-12. Review status: criteria provided, single submitter. Criteria: Invitae Variant Classification Sherloc (09022015). Collection method: clinical testing. Allele origin: germline.
Comment: This sequence change creates a premature translational stop signal (p.His178Profs*179) in the ANK1 gene. It is expected to result in an absent or disrupted protein product. Loss-of-function variants in ANK1 are known to be pathogenic (PMID: 8640229). This variant is not present in population databases (gnomAD no frequency). This variant has not been reported in the literature in individuals affected with ANK1-related conditions. For these reasons, this variant has been classified as Pathogenic.

Literature cited by the submitters: PubMed 8640229.